The following is an entry in ClinVar:

ClinVar aggregate classification (germline): Conflicting classifications of pathogenicity. Review status: criteria provided, conflicting classifications (1 of 4 stars). 3 submissions from 3 submitters: Likely pathogenic (2); Uncertain significance (1). Last evaluated 2026-01-05.

Conditions:
Inborn genetic diseases. Identifiers: MedGen C0950123, MeSH D030342.
Encephalopathy due to GLUT1 deficiency. Also called: Glucose transporter protein syndrome; GLUCOSE TRANSPORT DEFECT, BLOOD-BRAIN BARRIER; GLUT1 deficiency syndrome 1; Classic Glucose Transporter Type 1 Deficiency Syndrome; GLUT1 deficiency syndrome 1, infantile onset, severe; De Vivo disease. Identifiers: Orphanet 71277, MedGen C4551966, MONDO:0011724, OMIM 606777.

Submissions (3):

Ambry Genetics
Classification: Likely pathogenic for Inborn genetic diseases. Last evaluated: 2026-01-05. Review status: criteria provided, single submitter. Criteria: Ambry Variant Classification Scheme 2023. Collection method: clinical testing. Allele origin: germline.
Comment: The c.80G>A (p.G27D) alteration is located in exon 2 (coding exon 2) of the SLC2A1 gene. This alteration results from a G to A substitution at nucleotide position 80, causing the glycine (G) at amino acid position 27 to be replaced by an aspartic acid (D). The Genome Aggregation Database (gnomAD) data for this variant is unreliable due to technical and/or biological issues; therefore, population frequency estimates were not considered. Other variant(s) at the same codon, c.79G>A (p.G27S), have been identified in individual(s) with features consistent with GLUT1 deficiency syndrome (Almuqbil, 2018; Haviland, 2023) . This amino acid position is highly conserved in available vertebrate species. This alteration is predicted to be deleterious by in silico analysis. Based on the available evidence, this alteration is classified as likely pathogenic.

Servicio de Genética Del Instituto Nacional de Salud Del Niño, Ministerio de Salud
Classification: Likely pathogenic for Encephalopathy due to GLUT1 deficiency. Last evaluated: 2024-11-18. Review status: criteria provided, single submitter. Criteria: ACMG Guidelines, 2015. Collection method: clinical testing. Allele origin: germline. Inheritance: Autosomal dominant inheritance. Affected: yes.
Comment: The variant NM_006516.4:c.80G>A (p.Gly27Asp) results in a glycine-to-aspartic acid substitution at codon 27. According to ACMG/AMP guidelines, this variant meets the criteria for PM2, PP3, and PP2, supporting its classification as likely pathogenic

Eurofins Ntd Llc (ga)
Classification: Uncertain significance. Last evaluated: 2014-08-12. Review status: criteria provided, single submitter. Criteria: EGL Classification Definitions 2015. Collection method: clinical testing. Allele origin: germline. Observed: 1 variant allele, 1 heterozygote.

Literature cited by the submitters: PubMed 29500071 (cited by Ambry Genetics); PubMed 36403551 (cited by Ambry Genetics).

NM_006516.4(SLC2A1):c.80G>A (p.Gly27Asp)

Gene: SLC2A1 (solute carrier family 2 member 1; minus strand). Cytogenetic location: 1p34.2.
Variant type: single nucleotide variant.
Coding change: c.80G>A on transcript NM_006516.4 (MANE Select); coding-DNA position 80, G replaced by A.
Protein change: p.Gly27Asp; replaces glycine 27 with aspartic acid.
Molecular consequence: missense variant.
Genome position (GRCh38, 1-based): chr1:42,943,260, C>T on the plus strand (G>A on the coding strand, the complement: SLC2A1 is on the minus strand). VCF-style: chr1-42943260-C-T. GRCh37 (hg19) VCF-style: chr1-43408931-C-T.
Other names: c.80G>A (NM_006516.2); short protein forms G27D.
Identifiers: ClinVar variation 195267 (VCV000195267.8), dbSNP rs794727283, ClinGen allele CA019329.